The following is an entry in ClinVar:

ClinVar aggregate classification (germline): Uncertain significance (1 of 4 stars; one submission).

Submission:

Women's Health and Genetics/Laboratory Corporation of America, LabCorp
Classification: Uncertain significance. Last evaluated: 2025-01-13. Review status: criteria provided, single submitter. Criteria: LabCorp Variant Classification Summary - May 2015. Collection method: clinical testing. Allele origin: germline.
Comment: Variant summary: HSD17B4 c.1273T>C (p.Cys425Arg) results in a non-conservative amino acid change located in the MFE-2 hydratase 2 N-terminal domain (IPR054357) of the encoded protein sequence. Three of five in-silico tools predict a damaging effect of the variant on protein function. The variant was absent in 250786 control chromosomes. The available data on variant occurrences in the general population are insufficient to allow any conclusion about variant significance. c.1273T>C has been reported in the literature in an individual affected with progressive spasticity, abnormality of peripheral nerve conduction, and developmental regression (e.g., Barbosa-Gouveia_2021). This report does not provide unequivocal conclusions about association of the variant with D-Bifunctional Protein Deficiency. To our knowledge, no experimental evidence demonstrating an impact on protein function has been reported. The following publication has been ascertained in the context of this evaluation (PMID: 34440436). No submitters have cited clinical-significance assessments for this variant to ClinVar. Based on the evidence outlined above, the variant was classified as uncertain significance.

Literature cited by the submitters: PubMed 34440436.

NM_000414.4(HSD17B4):c.1273T>C (p.Cys425Arg)

Gene: HSD17B4 (hydroxysteroid 17-beta dehydrogenase 4; plus strand). Cytogenetic location: 5q23.1.
Variant type: single nucleotide variant.
Coding change: c.1273T>C on transcript NM_000414.4 (MANE Select); coding-DNA position 1273, T replaced by C.
Protein change: p.Cys425Arg; replaces cysteine 425 with arginine.
Molecular consequence: missense variant. On other transcripts: non-coding transcript variant (2), intron variant (1).
Genome position (GRCh38, 1-based): chr5:119,506,829, T>C. VCF-style: chr5-119506829-T-C. GRCh37 (hg19) VCF-style: chr5-118842524-T-C.
Other names: c.1348T>C, p.Cys450Arg (NM_001199291.3); c.1219T>C, p.Cys407Arg (NM_001199292.2); c.1201T>C, p.Cys401Arg (NM_001292027.2); c.853T>C, p.Cys285Arg (NM_001292028.2); c.1264T>C, p.Cys422Arg (NM_001374497.1); c.946T>C, p.Cys316Arg (NM_001374499.1); c.832T>C, p.Cys278Arg (NM_001374500.1); c.862T>C, p.Cys288Arg (NM_001374501.1, NM_001374502.1, NM_001374503.1); and 1 more; short protein forms C278R, C285R, C288R, C316R, C401R, C407R, C422R, C425R.
Identifiers: ClinVar variation 3769138 (VCV003769138.2).